The following is an entry in ClinVar:

NM_201596.3(CACNB2):c.1232G>A (p.Arg411Gln)

Gene: CACNB2 (calcium voltage-gated channel auxiliary subunit beta 2; plus strand). Cytogenetic location: 10p12.31.
Variant type: single nucleotide variant.
Coding change: c.1232G>A on transcript NM_201596.3 (MANE Select); coding-DNA position 1232, G replaced by A.
Protein change: p.Arg411Gln; replaces arginine 411 with glutamine.
Molecular consequence: missense variant.
Genome position (GRCh38, 1-based): chr10:18,536,126, G>A. VCF-style: chr10-18536126-G-A. GRCh37 (hg19) VCF-style: chr10-18825055-G-A.
Other names: c.1067G>A, p.Arg356Gln (NM_000724.4); c.1034G>A, p.Arg345Gln (NM_001167945.2); c.953G>A, p.Arg318Gln (NM_001330060.2); c.1088G>A, p.Arg363Gln (NM_201570.3); c.1148G>A, p.Arg383Gln (NM_201571.4); c.1076G>A, p.Arg359Gln (NM_201572.4); c.1070G>A, p.Arg357Gln (NM_201590.3); c.1118G>A, p.Arg373Gln (NM_201593.3); and 1 more; short protein forms R318Q, R356Q, R359Q, R387Q, R411Q, R373Q, R383Q, R345Q.
Identifiers: ClinVar variation 1489530 (VCV001489530.7), dbSNP rs763862968, ClinGen allele CA5429952.

ClinVar aggregate classification (germline): Uncertain significance. Review status: criteria provided, multiple submitters, no conflicts (2 of 4 stars). 2 submissions from 2 submitters: Uncertain significance (2). Last evaluated 2024-06-03.

Conditions:
Brugada syndrome 4 (BRGDA4). Identifiers: Orphanet 130, MedGen C2678477, MONDO:0012743, OMIM 611876.

Allele frequency attached by ClinVar (database versions not stated): gnomAD exomes below 0.00001; ExAC 0.00001; gnomAD 0.00001.
gnomAD v4.1: 4 of 1,610,346 alleles (0.00025%); highest among the groups gnomAD compares: African/African-American, 0.0013%; no homozygotes.

Submissions (2):

Blueprint Genetics
Classification: Uncertain significance. Last evaluated: 2024-06-03. Review status: criteria provided, single submitter. Criteria: ACMG Guidelines, 2015. Collection method: clinical testing. Allele origin: germline.

Labcorp Genetics (formerly Invitae), Labcorp
Classification: Uncertain significance for Brugada syndrome 4. Last evaluated: 2021-11-24. Review status: criteria provided, single submitter. Criteria: Invitae Variant Classification Sherloc (09022015). Collection method: clinical testing. Allele origin: germline.
Comment: In summary, the available evidence is currently insufficient to determine the role of this variant in disease. Therefore, it has been classified as a Variant of Uncertain Significance. Algorithms developed to predict the effect of missense changes on protein structure and function (SIFT, PolyPhen-2, Align-GVGD) all suggest that this variant is likely to be disruptive. This variant has not been reported in the literature in individuals affected with CACNB2-related conditions. This variant is not present in population databases (gnomAD no frequency). This sequence change replaces arginine, which is basic and polar, with glutamine, which is neutral and polar, at codon 357 of the CACNB2 protein (p.Arg357Gln).